The following is an entry in ClinVar:

NM_003579.4(RAD54L):c.1018C>G (p.His340Asp)

Gene: RAD54L (RAD54 like; plus strand). Cytogenetic location: 1p34.1.
Variant type: single nucleotide variant.
Coding change: c.1018C>G on transcript NM_003579.4 (MANE Select); coding-DNA position 1018, C replaced by G.
Protein change: p.His340Asp; replaces histidine 340 with aspartic acid.
Molecular consequence: missense variant.
Genome position (GRCh38, 1-based): chr1:46,267,585, C>G. VCF-style: chr1-46267585-C-G. GRCh37 (hg19) VCF-style: chr1-46733257-C-G.
Other names: c.1018C>G, p.His340Asp (NM_001142548.2); c.478C>G, p.His160Asp (NM_001370766.1); short protein forms H160D, H340D.
Identifiers: ClinVar variation 1750145 (VCV001750145.2), dbSNP rs2525690903, ClinGen allele CA340192672.

ClinVar aggregate classification (germline): Uncertain significance (1 of 4 stars; one submission).

Submission:

Ambry Genetics
Classification: Uncertain significance. Last evaluated: 2024-03-24. Review status: criteria provided, single submitter. Criteria: Ambry Variant Classification Scheme 2023. Collection method: clinical testing. Allele origin: germline.
Comment: The p.H340D variant (also known as c.1018C>G), located in coding exon 9 of the RAD54L gene, results from a C to G substitution at nucleotide position 1018. The histidine at codon 340 is replaced by aspartic acid, an amino acid with similar properties. This amino acid position is conserved. In addition, this alteration is predicted to be deleterious by in silico analysis. Since supporting evidence is limited at this time, the clinical significance of this alteration remains unclear.